The following is an entry in ClinVar:

NM_024408.4(NOTCH2):c.1668C>A (p.Cys556Ter)

Gene: NOTCH2 (notch receptor 2; minus strand). Cytogenetic location: 1p12.
Variant type: single nucleotide variant.
Coding change: c.1668C>A on transcript NM_024408.4 (MANE Select); coding-DNA position 1668, C replaced by A.
Protein change: p.Cys556Ter; replaces cysteine 556 with a stop codon.
Molecular consequence: nonsense.
Genome position (GRCh38, 1-based): chr1:119,965,466, G>T on the plus strand (C>A on the coding strand, the complement: NOTCH2 is on the minus strand). VCF-style: chr1-119965466-G-T. GRCh37 (hg19) VCF-style: chr1-120508089-G-T.
Other names: c.1668C>A, p.Cys556Ter (NM_001200001.2); short protein forms C556*.
Identifiers: ClinVar variation 1068831 (VCV001068831.7), dbSNP rs2101139955, ClinGen allele CA341874938.

ClinVar aggregate classification (germline): Pathogenic (1 of 4 stars; one submission).

Conditions:
Hajdu-Cheney syndrome (HJCYS). Also called: SERPENTINE FIBULA-POLYCYSTIC KIDNEY SYNDROME; Acroosteolysis dominant type; ACROOSTEOLYSIS WITH OSTEOPOROSIS AND CHANGES IN SKULL AND MANDIBLE. Identifiers: Orphanet 955, MedGen C0917715, MONDO:0007057, OMIM 102500.

Submission:

Labcorp Genetics (formerly Invitae), Labcorp
Classification: Pathogenic for Hajdu-Cheney syndrome. Last evaluated: 2025-10-28. Review status: criteria provided, single submitter. Criteria: Invitae Variant Classification Sherloc (09022015). Collection method: clinical testing. Allele origin: germline.
Comment: This sequence change creates a premature translational stop signal (p.Cys556*) in the NOTCH2 gene. It is expected to result in an absent or disrupted protein product. Loss-of-function variants in NOTCH2 are known to be pathogenic (PMID: 16773578, 22209762). This variant is not present in population databases (gnomAD no frequency). This variant has not been reported in the literature in individuals affected with NOTCH2-related conditions. ClinVar contains an entry for this variant (Variation ID: 1068831). For these reasons, this variant has been classified as Pathogenic.

Literature cited by the submitters: PubMed 16773578; PubMed 22209762.